The following continues an entry in ClinVar:

NM_004985.5(KRAS):c.35G>A (p.Gly12Asp)

Gene: KRAS. ClinVar aggregate classification (germline): Pathogenic/Likely pathogenic. Pathogenic (13); Likely pathogenic (2). ClinVar aggregate classification (somatic clinical impact): Tier I - Strong. ClinVar aggregate classification (oncogenicity): Oncogenic.

Submissions 23 to 48 of 49:

New York Genome Center
Classification: Pathogenic for Congenital Pulmonary Airway Malformations. Last evaluated: 2022-07-19. Review status: criteria provided, single submitter. Criteria: NYGC Assertion Criteria 2020. Collection method: clinical testing. Allele origin: de novo. Affected: yes. Observed: 1 heterozygote, 1 mosaic individual. Study: PrenatalSEQ.
Comment: The c.35G>A variant in KRAS is an established pathogenic variant almost always exclusively found in tissue analysis of individuals with somatic cancers or tissue-limited phenotypes, and it has been deposited in ClinVar [ClinVar ID: 12582] as Pathogenic. The c.35G>A variant is observed in 5 alleles with 0 homozygote in population databases (gnomAD v2.1.1 and v3.1.2, TOPMed Freeze 8, All of Us), which might be due to clonal hematopoesis of indeterminate potential or emerging/existing hematologic malignancies in variant carrying individuals in those databases. The c.35G>A variant in KRAS is located in exon 2 of this 5-exon gene, and is predicted to replace an evolutionarily conserved glycine amino acid with aspartate at position 12 (p.Gly12Asp) in the encoded protein. The p.Gly12Asp variant has been demonstrated to confer oncogenic potential via inhibiting the GTPase activity that result in continuous GTP-bound, active state [PMID: 11323676, 27096871]. Although another variant at codon 12 (p.Gly12Ser) has been reported in the germline of individuals with RASopathy phenotypes [PMID: 17704260, 26242988], p.Gly12Asp variant has not been reported constitutionally. The p.Gly12Asp variant has recently been identified in CPAM sections of individuals at less than 35% variant allele fraction (VAF) while the nearby unaffected lung tissue sections were found to be not carrying the p.Gly12Asp variant [PMID: 35794233]. Based on available evidence this de novo mosaic c.35G>A p.Gly12Asp variant identified in KRAS is classified as Pathogenic.

Seattle Children's Hospital Molecular Genetics Laboratory, Seattle Children's Hospital
Classification: Pathogenic. Last evaluated: 2021-08-13. Review status: criteria provided, single submitter. Criteria: ACMG Guidelines, 2015. Collection method: clinical testing. Allele origin: somatic. Affected: yes. Observed: 2 variant alleles.
Comment: This is a recurrent pathogenic variant that has previously been reported in several individuals with sporadic brain arteriovenous malformations (PMID: 29298116, 30902772, 30544177). The c.35G>A variant substitutes the glycine at codon 12 with aspartic acid. Experimental studies suggest that codon 12 substitutions lead to hyperactivation of the KRAS protein (PMID: 29298116).

Blueprint Genetics
Classification: Pathogenic for KRAS-related disorders. Last evaluated: 2019-10-09. Review status: criteria provided, single submitter. Criteria: ACMG Guidelines, 2015. Collection method: clinical testing. Allele origin: germline. Affected: yes. Observed: 3 variant alleles.

Equipe Genetique des Anomalies du Developpement, Université de Bourgogne
Classification: Pathogenic for Linear nevus sebaceous syndrome. Review status: criteria provided, single submitter. Criteria: ACMG Guidelines, 2015. Collection method: clinical testing. Allele origin: somatic. Affected: yes.

Department of Clinical Biochemistry, Naestved Hospital
Classification: Tier I - Strong for Colorectal cancer. Assertion type: prognostic. Clinical significance: better outcome. Last evaluated: 2024-10-10. Review status: no assertion criteria provided. Collection method: research. Allele origin: somatic. Not counted in ClinVar's aggregate classification.

Arin Greene Laboratory, Boston Children's Hospital, Harvard Medical School
Classification: Pathogenic for Capillary malformation-arteriovenous malformation 1. Last evaluated: 2021-05-01. Review status: no assertion criteria provided. Collection method: research. Allele origin: somatic. Affected: yes. Observed: 2 variant alleles. Not counted in ClinVar's aggregate classification.

University Health Network, Princess Margaret Cancer Centre
Classification: Pathogenic for Primary low grade serous adenocarcinoma of ovary. Last evaluated: 2019-11-04. Review status: no assertion criteria provided. Collection method: research. Allele origin: somatic. Affected: yes. Observed: 1 variant allele. Not counted in ClinVar's aggregate classification.

Laboratory for Clinical Genomics and Advanced Technology, Dartmouth-Hitchcock Medical Center
Classification: Pathogenic for Familial pancreatic carcinoma. Last evaluated: 2019-02-07. Review status: no assertion criteria provided. Collection method: research. Allele origin: somatic. Inheritance: Somatic mutation. Affected: yes. Not counted in ClinVar's aggregate classification.
Comment: Variant causes impairment of the intrinsic GTPase activity of KRAS and subsequent activation of downstream signaling pathways that drive cancer growth.

Hematopathology, The University of Texas M.D. Anderson Cancer Center
Classification: Pathogenic for Acute myeloid leukemia. Last evaluated: 2018-03-30. Review status: no assertion criteria provided. Collection method: clinical testing. Allele origin: somatic. Affected: yes. Not counted in ClinVar's aggregate classification.

OMIM
Classification: Pathogenic for ARTERIOVENOUS MALFORMATION OF THE BRAIN, SOMATIC. Last evaluated: 2018-03-06. Review status: no assertion criteria provided. Collection method: literature only. Allele origin: somatic. Not counted in ClinVar's aggregate classification.

Yale Center for Mendelian Genomics, Yale University
Classification: Likely pathogenic for Vascular Tumors Including Pyogenic Granuloma. Last evaluated: 2015-02-19. Review status: no assertion criteria provided. Collection method: literature only. Allele origin: somatic. Affected: yes. Observed: 1 heterozygote. Not counted in ClinVar's aggregate classification.

Laboratory for Molecular Medicine, Mass General Brigham Personalized Medicine
Classification: Pathogenic for Juvenile myelomonocytic leukemia. Last evaluated: 2014-08-28. Review status: no assertion criteria provided. Collection method: clinical testing. Allele origin: somatic. Observed: 1 variant allele. Not counted in ClinVar's aggregate classification.

Laboratory for Molecular Medicine, Mass General Brigham Personalized Medicine
Classification: Pathogenic for Non-small cell lung carcinoma. Last evaluated: 2014-08-28. Review status: no assertion criteria provided. Collection method: clinical testing. Allele origin: somatic. Observed: 85 variant alleles. Not counted in ClinVar's aggregate classification.

Laboratory for Molecular Medicine, Mass General Brigham Personalized Medicine
Classification: Pathogenic for Ovarian cancer. Last evaluated: 2014-08-28. Review status: no assertion criteria provided. Collection method: clinical testing. Allele origin: somatic. Observed: 3 variant alleles. Not counted in ClinVar's aggregate classification.
Comment: Somatic KRAS variants have been identified in up to 15% of cases of ovarian carcinoma, and Gly12Asp accounts for 40% of the identified KRAS variants (COSMIC 2010; Auner 2009).

Yale Center for Mendelian Genomics, Yale University
Classification: Pathogenic for Nevus sebaceous. Last evaluated: 2012-10-25. Review status: no assertion criteria provided. Collection method: literature only. Allele origin: somatic. Affected: yes. Observed: 1 heterozygote. Not counted in ClinVar's aggregate classification.

OMIM
Classification: Pathogenic for PANCREATIC CARCINOMA, SOMATIC. Last evaluated: 2012-06-10. Review status: no assertion criteria provided. Collection method: literature only. Allele origin: somatic. Not counted in ClinVar's aggregate classification.

OMIM
Classification: Pathogenic for GASTRIC CANCER, SOMATIC. Last evaluated: 2012-06-10. Review status: no assertion criteria provided. Collection method: literature only. Allele origin: somatic. Not counted in ClinVar's aggregate classification.

OMIM
Classification: Pathogenic for EPIDERMAL NEVUS, SOMATIC. Last evaluated: 2012-06-10. Review status: no assertion criteria provided. Collection method: literature only. Allele origin: somatic. Not counted in ClinVar's aggregate classification.

OMIM
Classification: Pathogenic for NEVUS SEBACEOUS, SOMATIC. Last evaluated: 2012-06-10. Review status: no assertion criteria provided. Collection method: literature only. Allele origin: somatic. Not counted in ClinVar's aggregate classification.

OMIM
Classification: Pathogenic for SCHIMMELPENNING-FEUERSTEIN-MIMS SYNDROME, SOMATIC MOSAIC. Last evaluated: 2012-06-10. Review status: no assertion criteria provided. Collection method: literature only. Allele origin: somatic. Not counted in ClinVar's aggregate classification.

OMIM
Classification: Pathogenic for JUVENILE MYELOMONOCYTIC LEUKEMIA, SOMATIC. Last evaluated: 2012-06-10. Review status: no assertion criteria provided. Collection method: literature only. Allele origin: somatic. Not counted in ClinVar's aggregate classification.

OMIM
Classification: Pathogenic for RAS-ASSOCIATED AUTOIMMUNE LEUKOPROLIFERATIVE DISORDER 2, SOMATIC. Last evaluated: 2012-06-10. Review status: no assertion criteria provided. Collection method: literature only. Allele origin: somatic. Not counted in ClinVar's aggregate classification.

Arin Greene Laboratory, Boston Children's Hospital, Harvard Medical School
Classification: Pathogenic for Cerebral arteriovenous malformation. Review status: no assertion criteria provided. Collection method: research. Allele origin: somatic. Affected: yes. Observed: 5 variant alleles. Not counted in ClinVar's aggregate classification.

Department of Pathology and Laboratory Medicine, Sinai Health System
Classification: Pathogenic. Review status: no assertion criteria provided. Collection method: clinical testing. Allele origin: unknown. Affected: yes. Observed: 119 variant alleles. Study: The Canadian Open Genetics Repository (COGR). Not counted in ClinVar's aggregate classification.

GeneReviews
No classification provided. Condition: Encephalocraniocutaneous lipomatosis. Review status: no classification provided. Collection method: literature only. Allele origin: somatic. Not counted in ClinVar's aggregate classification.

Martignetti Lab, Icahn School of Medicine at Mount Sinai
Classification: association for Atypical endometrial hyperplasia; Endometrial hyperplasia without atypia. Review status: no assertion criteria provided. Collection method: research. Allele origin: somatic. Affected: yes. Not counted in ClinVar's aggregate classification.